The following is an entry in ClinVar:

ClinVar aggregate classification (germline): Benign (0 of 4 stars; one submission).

Conditions:
MDN1-related disorder. Also called: MDN1-related condition.

Allele frequency attached by ClinVar (database versions not stated): 1000 Genomes Project 30x 0.14975; 1000 Genomes Project 0.15335; ExAC 0.16476; TOPMed 0.16789; gnomAD 0.17019; ESP Exome Variant Server 0.17115; gnomAD exomes 0.17276.
gnomAD v4.1: 278,448 of 1,612,812 alleles (17%); highest among the groups gnomAD compares: East Asian, 19%; 24,741 homozygotes.

Submission:

PreventionGenetics, part of Exact Sciences
Classification: Benign for MDN1-related condition. Last evaluated: 2019-10-21. Review status: no assertion criteria provided. Collection method: clinical testing. Allele origin: germline.
Comment: This variant is classified as benign based on ACMG/AMP sequence variant interpretation guidelines (Richards et al. 2015 PMID: 25741868, with internal and published modifications).

NM_014611.3(MDN1):c.856-10G>A

Gene: MDN1 (midasin AAA ATPase 1; minus strand). Cytogenetic location: 6q15.
Variant type: single nucleotide variant.
Coding change: c.856-10G>A on transcript NM_014611.3 (MANE Select); 10 bases into the intron before coding-DNA position 856, G replaced by A.
Molecular consequence: intron variant.
Genome position (GRCh38, 1-based): chr6:89,790,411, C>T on the plus strand (G>A on the coding strand, the complement: MDN1 is on the minus strand). VCF-style: chr6-89790411-C-T. GRCh37 (hg19) VCF-style: chr6-90500130-C-T.
Identifiers: ClinVar variation 3059059 (VCV003059059.2), dbSNP rs16882132, ClinGen allele CA3926174.
Genomic context (GRCh38, chr6:89,790,411, plus strand): 5'-ATAAGACCTAAGGGCCAGCTCCTGTTCACGTGAAGAACTCCTATTACCACCCTAAAGAGG[C>T]AAGACAAAAGCCATGTCAAGAAGAGTTCTTCCCCCAAGGAACCGAAGTTAATTTCCACAG-3'